The following is an entry in ClinVar:

NM_001015877.2(PHF6):c.729+2T>C

Gene: PHF6 (PHD finger protein 6; plus strand). Cytogenetic location: Xq26.2.
Variant type: single nucleotide variant.
Coding change: c.729+2T>C on transcript NM_001015877.2 (MANE Select); the canonical splice donor site of the intron after coding-DNA position 729, T replaced by C.
Molecular consequence: splice donor variant.
Genome position (GRCh38, 1-based): chrX:134,413,968, T>C. VCF-style: chrX-134413968-T-C. GRCh37 (hg19) VCF-style: chrX-133547998-T-C.
Other names: NC_000023.10:g.133547998T>C; c.729+2T>C (NM_032458.3); c.732+2T>C (NM_032335.3).
Identifiers: ClinVar variation 3027441 (VCV003027441.2), dbSNP rs758474623, ClinGen allele CA414713101.

ClinVar aggregate classification (germline): Likely pathogenic (1 of 4 stars; one submission).

Conditions:
Borjeson-Forssman-Lehmann syndrome (BFLS). Also called: BORJESON SYNDROME; MENTAL RETARDATION, X-LINKED, SYNDROMIC, BORJESON-FORSSMAN-LEHMANN TYPE; MENTAL RETARDATION, EPILEPSY, AND ENDOCRINE DISORDERS. Identifiers: Orphanet 127, MedGen C0265339, MONDO:0010537, OMIM 301900.

Submissions (2):

Human Genetics Bochum, Ruhr University Bochum
Classification: Likely pathogenic for Borjeson-Forssman-Lehmann syndrome. Last evaluated: 2023-08-25. Review status: criteria provided, single submitter. Criteria: ACMG Guidelines, 2015. Collection method: clinical testing. Allele origin: germline. Affected: yes.
Comment: ACMG criteria used to clasify this variant: PVS1_STR, PM1, PM2_SUP

Dr. Peter K. Rogan Lab, Western University
No classification provided (evidence only). Condition: Nonpapillary renal cell carcinoma. Review status: no classification provided. Collection method: in vitro. Allele origin: not applicable. Functional consequence: retained intron. Not counted in ClinVar's aggregate classification.